The following is an entry in ClinVar:

NM_001098484.3(SLC4A4):c.*411G>C

Gene: SLC4A4 (solute carrier family 4 member 4; plus strand). Cytogenetic location: 4q13.3.
Variant type: single nucleotide variant.
Coding change: c.*411G>C on transcript NM_001098484.3 (MANE Select); 411 bases downstream of the stop codon, G replaced by C.
Molecular consequence: 3 prime UTR variant.
Genome position (GRCh38, 1-based): chr4:71,568,162, G>C. VCF-style: chr4-71568162-G-C. GRCh37 (hg19) VCF-style: chr4-72433879-G-C.
Other names: c.*269G>C (NM_001134742.2); c.*411G>C (NM_003759.4).
Identifiers: ClinVar variation 349565 (VCV000349565.6), dbSNP rs1453452, ClinGen allele CA10619149.

ClinVar aggregate classification (germline): Benign. Review status: criteria provided, multiple submitters, no conflicts (2 of 4 stars). 2 submissions from 2 submitters: Benign (2). Last evaluated 2018-01-12.

Conditions:
Autosomal recessive proximal renal tubular acidosis (PRTAO). Also called: RTA, PROXIMAL, AUTOSOMAL RECESSIVE; RENAL TUBULAR ACIDOSIS, PROXIMAL, WITH OCULAR ABNORMALITIES AND MENTAL RETARDATION; RENAL TUBULAR ACIDOSIS, PROXIMAL, WITH OCULAR ABNORMALITIES AND IMPAIRED INTELLECTUAL DEVELOPMENT; PROXIMAL RENAL TUBULAR ACIDOSIS-OCULAR ANOMALY SYNDROME. Identifiers: Orphanet 93607, MedGen C1970309, MONDO:0011422, OMIM 604278.

Allele frequency attached by ClinVar (database versions not stated): 1000 Genomes Project 30x 0.88039; 1000 Genomes Project 0.88818; TOPMed 0.89969; gnomAD exomes 0.97779.
gnomAD v4.1: 319,804 of 337,614 alleles (95%); highest among the groups gnomAD compares: Non-Finnish European, 99%; 152,973 homozygotes.

Submissions (2):

Illumina Laboratory Services, Illumina
Classification: Benign for Autosomal recessive proximal renal tubular acidosis. Last evaluated: 2018-01-12. Review status: criteria provided, single submitter. Criteria: ICSL Variant Classification Criteria 13 December 2019. Collection method: clinical testing. Allele origin: germline.
Comment: This variant was observed in the ICSL laboratory as part of a predisposition screen in an ostensibly healthy population. It had not been previously curated by ICSL or reported in the Human Gene Mutation Database (HGMD: prior to June 1st, 2018), and was therefore a candidate for classification through an automated scoring system. Utilizing variant allele frequency, disease prevalence and penetrance estimates, and inheritance mode, an automated score was calculated to assess if this variant is too frequent to cause the disease. Based on the score and internal cut-off values, a variant classified as benign is not then subjected to further curation. The score for this variant resulted in a classification of benign for this disease.

Breakthrough Genomics
Classification: Benign. Review status: criteria provided, single submitter. Criteria: ACMG Guidelines, 2015. Collection method: not provided. Allele origin: germline. Inheritance: Autosomal recessive inheritance. Affected: yes.